The following is an entry in ClinVar:

NM_000702.4(ATP1A2):c.2140G>A (p.Asp714Asn)

Gene: ATP1A2 (ATPase Na+/K+ transporting subunit alpha 2; plus strand). Cytogenetic location: 1q23.2.
Variant type: single nucleotide variant.
Coding change: c.2140G>A on transcript NM_000702.4 (MANE Select); coding-DNA position 2140, G replaced by A.
Protein change: p.Asp714Asn; replaces aspartic acid 714 with asparagine.
Molecular consequence: missense variant.
Genome position (GRCh38, 1-based): chr1:160,135,458, G>A. VCF-style: chr1-160135458-G-A. GRCh37 (hg19) VCF-style: chr1-160105248-G-A.
Other names: short protein forms D714N.
Identifiers: ClinVar variation 4082952 (VCV004082952.1).

ClinVar aggregate classification (germline): Uncertain significance (1 of 4 stars; one submission).

Submission:

GeneDx
Classification: Uncertain significance. Last evaluated: 2025-03-05. Review status: criteria provided, single submitter. Criteria: GeneDx Variant Classification Process June 2021. Collection method: clinical testing. Allele origin: germline. Affected: yes.
Comment: Not observed at significant frequency in large population cohorts (gnomAD); In silico analysis supports that this missense variant has a deleterious effect on protein structure/function; Has not been previously published as pathogenic or benign to our knowledge; This variant is associated with the following publications: (PMID: 18184292)